The following is an entry in ClinVar:

ClinVar aggregate classification (germline): Likely benign (1 of 4 stars; one submission).

Allele frequency attached by ClinVar (database versions not stated): 1000 Genomes Project 30x 0.00062; 1000 Genomes Project 0.00080.
gnomAD v4.1: 117 of 1,612,720 alleles (0.0073%); highest among the groups gnomAD compares: South Asian, 0.12%; 2 homozygotes.

Submission:

CeGaT Center for Human Genetics Tuebingen
Classification: Likely benign. Last evaluated: 2022-08-01. Review status: criteria provided, single submitter. Criteria: CeGaT Center For Human Genetics Tuebingen Variant Classification Criteria Version 2. Collection method: clinical testing. Allele origin: germline. Affected: yes. Observed: 1 variant allele.
Comment: MPDZ: BP4, BP7

NM_001378778.1(MPDZ):c.5430A>C (p.Pro1810=)

Gene: MPDZ (multiple PDZ domain crumbs cell polarity complex component; minus strand). Cytogenetic location: 9p23.
Variant type: single nucleotide variant.
Coding change: c.5430A>C on transcript NM_001378778.1 (MANE Select); coding-DNA position 5430, A replaced by C.
Protein change: p.Pro1810=; no amino-acid change (proline 1810 retained).
Molecular consequence: synonymous variant. On other transcripts: intron variant (5).
Genome position (GRCh38, 1-based): chr9:13,115,284, T>G on the plus strand (A>C on the coding strand, the complement: MPDZ is on the minus strand). VCF-style: chr9-13115284-T-G. GRCh37 (hg19) VCF-style: chr9-13115283-T-G.
Other names: c.5331A>C, p.Pro1777= (NM_001261406.2, NM_001375416.1, NM_001375417.1 and 1 more transcripts); c.5430A>C, p.Pro1810= (NM_001330637.2); c.5529A>C, p.Pro1843= (NM_001375413.1); c.5220A>C, p.Pro1740= (NM_001375420.1, NM_001375421.1, NM_001375422.1 and 2 more transcripts); c.5022A>C, p.Pro1674= (NM_001375427.1); c.5170-1263A>C (NM_001375425.1, NM_001375426.1); c.5281-1263A>C (NM_001375419.1, NM_001261407.2); c.5380-1263A>C (NM_003829.5).
Identifiers: ClinVar variation 2659071 (VCV002659071.24), dbSNP rs577560180, ClinGen allele CA4986289.